The following is an entry in ClinVar:

ClinVar aggregate classification (germline): Likely benign (1 of 4 stars; one submission).

Submission:

GeneDx
Classification: Likely benign. Last evaluated: 2018-06-14. Review status: criteria provided, single submitter. Criteria: GeneDx Variant Classification (06012015). Collection method: clinical testing. Allele origin: germline. Affected: yes.
Comment: This variant is considered likely benign or benign based on one or more of the following criteria: it is a conservative change, it occurs at a poorly conserved position in the protein, it is predicted to be benign by multiple in silico algorithms, and/or has population frequency not consistent with disease.

NM_001613.4(ACTA2):c.258+261dup

Gene: ACTA2 (actin alpha 2, smooth muscle; minus strand). Cytogenetic location: 10q23.31.
Variant type: Duplication.
Coding change: c.258+261dup on transcript NM_001613.4 (MANE Select); 261 bases into the intron after coding-DNA position 258, one base duplicated (A; older notation c.258+261dupA).
Molecular consequence: intron variant.
Genome position (GRCh38, 1-based): chr10:88,946,997, T duplicated on the plus strand (A on the coding strand, the reverse complement: ACTA2 is on the minus strand); the first of 6 consecutive T bases (chr10:88,946,997-88,947,002); duplicating any one gives the same sequence. VCF-style (leftmost placement, unchanged base first): chr10-88946996-G-GT. GRCh37 (hg19) VCF-style: chr10-90706753-G-GT.
Other names: c.129+1805dup (NM_001406467.1, NM_001406468.1, NM_001406469.1); c.258+261dup (NM_001320855.2, NM_001406462.1, NM_001406471.1 and 4 more transcripts).
Identifiers: ClinVar variation 680529 (VCV000680529.3), dbSNP rs372619604, ClinGen allele CA211327020.